The following is an entry in ClinVar:

NM_001371986.1(UNC80):c.5371C>T (p.Arg1791Cys)

Gene: UNC80 (unc-80 subunit of NALCN channel complex; plus strand). Cytogenetic location: 2q34.
Variant type: single nucleotide variant.
Coding change: c.5371C>T on transcript NM_001371986.1 (MANE Select); coding-DNA position 5371, C replaced by T.
Protein change: p.Arg1791Cys; replaces arginine 1791 with cysteine.
Molecular consequence: missense variant.
Genome position (GRCh38, 1-based): chr2:209,921,527, C>T. VCF-style: chr2-209921527-C-T. GRCh37 (hg19) VCF-style: chr2-210786251-C-T.
Other names: c.5173C>T, p.Arg1725Cys (NM_032504.2); c.5158C>T, p.Arg1720Cys (NM_182587.4); short protein forms R1720C, R1791C, R1725C.
Identifiers: ClinVar variation 1359329 (VCV001359329.8), dbSNP rs1201504693, ClinGen allele CA350761967.
Genomic context (GRCh38, chr2:209,921,527, plus strand): 5'-CTATTAAATGAACTTGCCTTTATGTCTCCACAGAAATCCTTTTCAGCCCGGGCTGTGTCC[C>T]GCTCCCATCAAAGGGCAGAACACATCTTAAAGAACTTGCAGCAGGAGGAAGAAAAGAAAC-3'
Protein context (NP_001358915.1, residues 1781-1801): SKSFSARAVS[Arg1791Cys]SHQRAEHILK

ClinVar aggregate classification (germline): Uncertain significance (1 of 4 stars; one submission).

Allele frequency attached by ClinVar (database versions not stated): gnomAD exomes below 0.00001; TOPMed below 0.00001; gnomAD 0.00001.
gnomAD v4.1: 3 of 1,551,386 alleles (0.00019%); highest among the groups gnomAD compares: African/African-American, 0.0014%; no homozygotes.

Submission:

Labcorp Genetics (formerly Invitae), Labcorp
Classification: Uncertain significance. Last evaluated: 2022-06-27. Review status: criteria provided, single submitter. Criteria: Invitae Variant Classification Sherloc (09022015). Collection method: clinical testing. Allele origin: germline.
Comment: In summary, the available evidence is currently insufficient to determine the role of this variant in disease. Therefore, it has been classified as a Variant of Uncertain Significance. Algorithms developed to predict the effect of missense changes on protein structure and function are either unavailable or do not agree on the potential impact of this missense change (SIFT: "Not Available"; PolyPhen-2: "Probably Damaging"; Align-GVGD: "Not Available"). This variant has not been reported in the literature in individuals affected with UNC80-related conditions. This variant is present in population databases (no rsID available, gnomAD 0.01%). This sequence change replaces arginine, which is basic and polar, with cysteine, which is neutral and slightly polar, at codon 1725 of the UNC80 protein (p.Arg1725Cys).